The following is an entry in ClinVar:

ClinVar aggregate classification (germline): Pathogenic (1 of 4 stars; one submission).

Conditions:
Breast-ovarian cancer, familial, susceptibility to, 1 (BROVCA1). Also called: BRCA1 Hereditary Breast and Ovarian Cancer; OVARIAN CANCER, SUSCEPTIBILITY TO. Identifiers: Orphanet 145, MedGen C2676676, MONDO:0011450, OMIM 604370. Disease mechanism: loss of function.

Submission:

Research and Development Unit, inDNA Life Sciences Pvt. Ltd.
Classification: Pathogenic for Breast-ovarian cancer, familial, susceptibility to, 1. Review status: criteria provided, single submitter. Criteria: ACMG Guidelines, 2015. Collection method: clinical testing. Allele origin: germline. Affected: yes. Observed: 1 variant allele.
Comment: A protein truncating frameshift deletion variant was detected in Exon-16 of BRCA1 gene with 889x depth coverage with allele frequency of 51.74%. The effect of the exonic variant was validated using different bioinformatic variant prediction tools (MutationTaster2, SIFT, PolyPhen2, PROVEAN, CADD). All predicted the variant as Deleterous/ Damaging.

NM_007294.4(BRCA1):c.5009del (p.Arg1670fs)

Gene: BRCA1 (BRCA1 DNA repair associated; minus strand). Cytogenetic location: 17q21.31.
Variant type: Deletion.
Coding change: c.5009del on transcript NM_007294.4 (MANE Select); coding-DNA position 5009, one base deleted (G; older notation c.5009delG).
Protein change: p.Arg1670fs; shifts the reading frame from arginine 1670.
Molecular consequence: frameshift variant. On other transcripts: intron variant (1).
Genome position (GRCh38, 1-based): chr17:43,067,673, C deleted on the plus strand (G on the coding strand, the reverse complement: BRCA1 is on the minus strand). VCF-style (leftmost placement, unchanged base first): chr17-43067672-TC-T. GRCh37 (hg19) VCF-style: chr17-41219689-TC-T.
Other names: c.4796del, p.Arg1599fs (NM_001407571.1, NM_001407894.1, NM_001407895.1 and 12 more transcripts); c.5075del, p.Arg1692fs (NM_001407581.1, NM_001407582.1); c.5072del, p.Arg1691fs (NM_001407583.1, NM_001407585.1, NM_001407587.1 and 1 more transcripts); c.5069del, p.Arg1690fs (NM_001407590.1, NM_001407591.1); c.5006del, p.Arg1669fs (NM_001407611.1, NM_001407612.1, NM_001407613.1 and 17 more transcripts); c.5003del, p.Arg1668fs (NM_001407627.1, NM_001407628.1, NM_001407629.1 and 14 more transcripts); c.5000del, p.Arg1667fs (NM_001407644.1, NM_001407645.1); c.4997del, p.Arg1666fs (NM_001407646.1); and 72 more; short protein forms R1373fs, R1374fs, R1501fs, R1516fs, R1541fs, R1542fs, R1543fs, R1557fs.
Identifiers: ClinVar variation 3367190 (VCV003367190.1).